The following is an entry in ClinVar:

ClinVar aggregate classification (germline): Pathogenic (1 of 4 stars; one submission).

Conditions:
Severe combined immunodeficiency due to DCLRE1C deficiency (RS-SCID). Also called: SCID, AUTOSOMAL RECESSIVE, T CELL-NEGATIVE, B CELL-NEGATIVE, NK CELL-POSITIVE, WITH SENSITIVITY TO IONIZING RADIATION. Identifiers: Orphanet 275, MedGen C1865371, MONDO:0011225, OMIM 602450.

Submission:

Labcorp Genetics (formerly Invitae), Labcorp
Classification: Pathogenic for Athabaskan severe combined immunodeficiency. Last evaluated: 2019-09-15. Review status: criteria provided, single submitter. Criteria: Invitae Variant Classification Sherloc (09022015). Collection method: clinical testing. Allele origin: germline.
Comment: This variant is not present in population databases (ExAC no frequency). This sequence change results in a premature translational stop signal in the DCLRE1C gene (p.Glu439*). While this is not anticipated to result in nonsense mediated decay, it is expected to disrupt the last 254 amino acids of the DCLRE1C protein. This variant has not been reported in the literature in individuals with DCLRE1C-related conditions. This variant disrupts the C-terminus of the DCLRE1C protein. Other variant(s) that disrupt this region (p.Asp451Lysfs*11) have been determined to be pathogenic (PMID: 12569164, 19953608, 21147755, 25917813). This suggests that variants that disrupt this region of the protein are likely to be causative of disease. For these reasons, this variant has been classified as Pathogenic.

Literature cited by the submitters: PubMed 12569164; PubMed 19953608; PubMed 21147755; PubMed 25917813.

NM_001033855.3(DCLRE1C):c.1315G>T (p.Glu439Ter)

Gene: DCLRE1C (DNA cross-link repair 1C; minus strand). Cytogenetic location: 10p13.
Variant type: single nucleotide variant.
Coding change: c.1315G>T on transcript NM_001033855.3 (MANE Select); coding-DNA position 1315, G replaced by T.
Protein change: p.Glu439Ter; replaces glutamic acid 439 with a stop codon.
Molecular consequence: nonsense. On other transcripts: non-coding transcript variant (4).
Genome position (GRCh38, 1-based): chr10:14,909,172, C>A on the plus strand (G>T on the coding strand, the complement: DCLRE1C is on the minus strand). VCF-style: chr10-14909172-C-A. GRCh37 (hg19) VCF-style: chr10-14951171-C-A.
Other names: c.955G>T, p.Glu319Ter (NM_001033857.3, NM_001033858.3, NM_001289077.2 and 2 more transcripts); c.970G>T, p.Glu324Ter (NM_001289076.2, NM_001289078.2, NM_001350966.2 and 1 more transcripts); c.1315G>T, p.Glu439Ter (NM_001350965.2); short protein forms E319*, E324*, E439*.
Identifiers: ClinVar variation 951880 (VCV000951880.9), dbSNP rs753674918, ClinGen allele CA376076102.
Genomic context (GRCh38, chr10:14,909,172, plus strand): 5'-TTTCACTGTTGGATTCTTCACAATCTACAAAGTTTGTGAAACGAGAGCTCTGCATACACT[C>A]TGCTCTGCAGCATCCTGGGGTTTGTCTCAGTTTTTCAGGCTGCTTTTCTGATACTGCAGT-3'